The following is an entry in ClinVar:

NM_022041.4(GAN):c.875T>C (p.Met292Thr)

Gene: GAN (gigaxonin; plus strand). Cytogenetic location: 16q23.2.
Variant type: single nucleotide variant.
Coding change: c.875T>C on transcript NM_022041.4 (MANE Select); coding-DNA position 875, T replaced by C.
Protein change: p.Met292Thr; replaces methionine 292 with threonine.
Molecular consequence: missense variant.
Genome position (GRCh38, 1-based): chr16:81,357,833, T>C. VCF-style: chr16-81357833-T-C. GRCh37 (hg19) VCF-style: chr16-81391438-T-C.
Other names: c.236T>C, p.Met79Thr (NM_001377486.1); short protein forms M79T, M292T.
Identifiers: ClinVar variation 2014965 (VCV002014965.4), dbSNP rs766913171, ClinGen allele CA396873153.

ClinVar aggregate classification (germline): Uncertain significance (1 of 4 stars; one submission).

Conditions:
Giant axonal neuropathy 1 (GAN1). Also called: GAN-Related Neurodegeneration; GIANT AXONAL NEUROPATHY 1, AUTOSOMAL RECESSIVE. Identifiers: Orphanet 643, MedGen C1850386, MONDO:0009749, OMIM 256850.

Submission:

Labcorp Genetics (formerly Invitae), Labcorp
Classification: Uncertain significance for Giant axonal neuropathy 1. Last evaluated: 2022-07-08. Review status: criteria provided, single submitter. Criteria: Invitae Variant Classification Sherloc (09022015). Collection method: clinical testing. Allele origin: germline.
Comment: This sequence change replaces methionine, which is neutral and non-polar, with threonine, which is neutral and polar, at codon 292 of the GAN protein (p.Met292Thr). This variant is not present in population databases (gnomAD no frequency). This variant has not been reported in the literature in individuals affected with GAN-related conditions. Algorithms developed to predict the effect of missense changes on protein structure and function (SIFT, PolyPhen-2, Align-GVGD) all suggest that this variant is likely to be tolerated. In summary, the available evidence is currently insufficient to determine the role of this variant in disease. Therefore, it has been classified as a Variant of Uncertain Significance.